The following is an entry in ClinVar:

NM_000138.5(FBN1):c.1884C>T (p.Cys628=)

Gene: FBN1 (fibrillin 1; minus strand). Cytogenetic location: 15q21.1.
Variant type: single nucleotide variant.
Coding change: c.1884C>T on transcript NM_000138.5 (MANE Select); coding-DNA position 1884, C replaced by T.
Protein change: p.Cys628=; no amino-acid change (cysteine 628 retained).
Molecular consequence: synonymous variant.
Genome position (GRCh38, 1-based): chr15:48,505,101, G>A on the plus strand (C>T on the coding strand, the complement: FBN1 is on the minus strand). VCF-style: chr15-48505101-G-A. GRCh37 (hg19) VCF-style: chr15-48797298-G-A.
Identifiers: ClinVar variation 237081 (VCV000237081.21), dbSNP rs150421653, ClinGen allele CA046238.
Genomic context (GRCh38, chr15:48,505,101, plus strand): 5'-ATCCAGACCCACAGCCAGTCCAGGGAAGCATTCACATCTGTAGGAGCCATCAGTGTTGAC[G>A]CAACGCCCATTCATGCAGATCCCAGGGGTTTCACACTCGTTAATGTCTGTGGCAGAGAAA-3'
Protein context (NP_000129.3, residues 618-638): ETPGICMNGR[Cys628=]VNTDGSYRCE

ClinVar aggregate classification (germline): Conflicting classifications of pathogenicity. Review status: criteria provided, conflicting classifications (1 of 4 stars). 12 submissions from 6 submitters: Uncertain significance (1); Benign (5); Likely benign (6). Last evaluated 2026-01-24.

Conditions:
Geleophysic dysplasia. Identifiers: Orphanet 2623, MedGen C3489726, MONDO:0000127.
Weill-Marchesani syndrome. Also called: WM Syndrome; Mesodermal dysmorphodystrophy congenital. Identifiers: Orphanet 3449, MedGen C0265313, MONDO:0018096.
Marfan syndrome (MFS). Also called: MARFAN SYNDROME, TYPE I; FBN1-Related Marfan Syndrome; Marfan syndrome, classic; Marfan syndrome type 1; Marfan's syndrome. Identifiers: Orphanet 284963, Orphanet 558, MedGen C0024796, MONDO:0007947, OMIM 154700.
Familial thoracic aortic aneurysm and aortic dissection (TAAD). Also called: Thoracic aortic aneurysms and dissections. Identifiers: Orphanet 91387, MedGen C4707243, MONDO:0019625.
Ectopia lentis 1, isolated, autosomal dominant (ECTOL1). Identifiers: Orphanet 1885, MedGen C3541518, MONDO:0007514, OMIM 129600.
Acromicric dysplasia (ACMICD). Also called: Acromicric skeletal dysplasia. Identifiers: Orphanet 969, MedGen C0265287, MONDO:0007055, OMIM 102370.
Stiff skin syndrome (SSKS). Identifiers: Orphanet 2833, MedGen C1861456, MONDO:0008492, OMIM 184900.

Allele frequency attached by ClinVar (database versions not stated): gnomAD exomes 0.00001 and 0.00003; TOPMed 0.00003; ExAC 0.00004; gnomAD 0.00004 and 0.00003; ESP Exome Variant Server 0.00008.

Submissions (12):

Labcorp Genetics (formerly Invitae), Labcorp
Classification: Likely benign for Marfan syndrome; Familial thoracic aortic aneurysm and aortic dissection. Last evaluated: 2026-01-24. Review status: criteria provided, single submitter. Criteria: Invitae Variant Classification Sherloc (09022015). Collection method: clinical testing. Allele origin: germline.

Women's Health and Genetics/Laboratory Corporation of America, LabCorp
Classification: Likely benign. Last evaluated: 2025-05-18. Review status: criteria provided, single submitter. Criteria: LabCorp Variant Classification Summary - May 2015. Collection method: clinical testing. Allele origin: germline.

All of Us Research Program, National Institutes of Health
Classification: Likely benign for Marfan syndrome. Last evaluated: 2024-08-06. Review status: criteria provided, single submitter. Criteria: ACMG Guidelines, 2015. Collection method: clinical testing. Allele origin: germline. Inheritance: Autosomal dominant inheritance. Observed: 4 variant alleles, 4 heterozygotes.
Comment: This study involves interpretation of variants in research participants for the purpose of population health screening. Participant phenotype was not available at the time of variant classification. Additional details can be found in publication PMID: 35346344, PMCID: PMC8962531

Ambry Genetics
Classification: Likely benign for Familial thoracic aortic aneurysm and aortic dissection. Last evaluated: 2022-09-26. Review status: criteria provided, single submitter. Criteria: Ambry Variant Classification Scheme 2023. Collection method: clinical testing. Allele origin: germline.

Color Diagnostics, LLC DBA Color Health
Classification: Likely benign for Familial thoracic aortic aneurysm and aortic dissection. Last evaluated: 2019-06-10. Review status: criteria provided, single submitter. Criteria: ACMG Guidelines, 2015. Collection method: clinical testing. Allele origin: germline.

Illumina Laboratory Services, Illumina
Classification: Likely benign for Marfan syndrome. Last evaluated: 2018-01-13. Review status: criteria provided, single submitter. Criteria: ICSL Variant Classification Criteria 13 December 2019. Collection method: clinical testing. Allele origin: germline.
Comment: This variant was observed in the ICSL laboratory as part of a predisposition screen in an ostensibly healthy population. It had not been previously curated by ICSL or reported in the Human Gene Mutation Database (HGMD: prior to June 1st, 2018), and was therefore a candidate for classification through an automated scoring system. Utilizing variant allele frequency, disease prevalence and penetrance estimates, and inheritance mode, an automated score was calculated to assess if this variant is too frequent to cause the disease. Based on the score and internal cut-off values, a variant classified as likely benign is not then subjected to further curation. The score for this variant resulted in a classification of likely benign for this disease.

Illumina Laboratory Services, Illumina
Classification: Uncertain significance for Familial thoracic aortic aneurysm and aortic dissection. Last evaluated: 2018-01-13. Review status: criteria provided, single submitter. Criteria: ICSL Variant Classification Criteria 13 December 2019. Collection method: clinical testing. Allele origin: germline.

Illumina Laboratory Services, Illumina
Classification: Benign for Stiff skin syndrome. Last evaluated: 2018-01-13. Review status: criteria provided, single submitter. Criteria: ICSL Variant Classification Criteria 13 December 2019. Collection method: clinical testing. Allele origin: germline.
Comment: This variant was observed in the ICSL laboratory as part of a predisposition screen in an ostensibly healthy population. It had not been previously curated by ICSL or reported in the Human Gene Mutation Database (HGMD: prior to June 1st, 2018), and was therefore a candidate for classification through an automated scoring system. Utilizing variant allele frequency, disease prevalence and penetrance estimates, and inheritance mode, an automated score was calculated to assess if this variant is too frequent to cause the disease. Based on the score and internal cut-off values, a variant classified as benign is not then subjected to further curation. The score for this variant resulted in a classification of benign for this disease.

Illumina Laboratory Services, Illumina
Classification: Benign for Acromicric dysplasia. Last evaluated: 2018-01-13. Review status: criteria provided, single submitter. Criteria: ICSL Variant Classification Criteria 13 December 2019. Collection method: clinical testing. Allele origin: germline.
Comment: the same text as in the submission from Illumina Laboratory Services, Illumina above.

Illumina Laboratory Services, Illumina
Classification: Benign for Weill-Marchesani syndrome. Last evaluated: 2018-01-13. Review status: criteria provided, single submitter. Criteria: ICSL Variant Classification Criteria 13 December 2019. Collection method: clinical testing. Allele origin: germline.
Comment: the same text as in the submission from Illumina Laboratory Services, Illumina above.

Illumina Laboratory Services, Illumina
Classification: Benign for Geleophysic dysplasia. Last evaluated: 2018-01-13. Review status: criteria provided, single submitter. Criteria: ICSL Variant Classification Criteria 13 December 2019. Collection method: clinical testing. Allele origin: germline.
Comment: the same text as in the submission from Illumina Laboratory Services, Illumina above.

Illumina Laboratory Services, Illumina
Classification: Benign for Ectopia lentis 1, isolated, autosomal dominant. Last evaluated: 2018-01-13. Review status: criteria provided, single submitter. Criteria: ICSL Variant Classification Criteria 13 December 2019. Collection method: clinical testing. Allele origin: germline.
Comment: the same text as in the submission from Illumina Laboratory Services, Illumina above.